The following is an entry in ClinVar:

ClinVar aggregate classification (germline): Uncertain significance (1 of 4 stars; one submission).

Submission:

GeneDx
Classification: Uncertain significance. Last evaluated: 2025-06-17. Review status: criteria provided, single submitter. Criteria: GeneDx Variant Classification Process June 2021. Collection method: clinical testing. Allele origin: germline. Affected: yes.
Comment: Not observed at significant frequency in large population cohorts (gnomAD); In silico analysis supports that this missense variant has a deleterious effect on protein structure/function; Has not been previously published as pathogenic or benign to our knowledge.

NM_014727.3(KMT2B):c.1943G>T (p.Arg648Leu)

Gene: KMT2B (lysine methyltransferase 2B; plus strand). Cytogenetic location: 19q13.12.
Variant type: single nucleotide variant.
Coding change: c.1943G>T on transcript NM_014727.3 (MANE Select); coding-DNA position 1943, G replaced by T.
Protein change: p.Arg648Leu; replaces arginine 648 with leucine.
Molecular consequence: missense variant.
Genome position (GRCh38, 1-based): chr19:35,721,290, G>T. VCF-style: chr19-35721290-G-T. GRCh37 (hg19) VCF-style: chr19-36212192-G-T.
Other names: short protein forms R648L.
Identifiers: ClinVar variation 4538740 (VCV004538740.1).
Genomic context (GRCh38, chr19:35,721,290, plus strand): 5'-CCCCGGCCCCCTCCCCACCCCCTGCTCCTGCCACCTCCTCCCGGAGGCCCCTACTCCTTC[G>T]GGCCCCTCAGTTTACCCCAAGCGAAGCCCACCTGAAGATCTACGAATCGGTGCTTACTCC-3'
Protein context (NP_055542.1, residues 638-658): ATSSRRPLLL[Arg648Leu]APQFTPSEAH